The following is an entry in ClinVar:

ClinVar aggregate classification (germline): Likely benign. Review status: criteria provided, multiple submitters, no conflicts (2 of 4 stars). 4 submissions from 4 submitters: Likely benign (4). Last evaluated 2024-12-10.

Conditions:
DHCR7-related disorder. Also called: DHCR7-related condition.
Smith-Lemli-Opitz syndrome (SLOS). Also called: 7-Dehydrocholesterol reductase deficiency; LETHAL ACRODYSGENITAL SYNDROME; POLYDACTYLY, SEX REVERSAL, RENAL HYPOPLASIA, AND UNILOBAR LUNG; RSH SYNDROME; RUTLEDGE LETHAL MULTIPLE CONGENITAL ANOMALY SYNDROME. Identifiers: Orphanet 818, MedGen C0175694, MONDO:0010035, OMIM 270400.

Allele frequency attached by ClinVar (database versions not stated): gnomAD 0.00001 and 0.00002; gnomAD exomes 0.00002 and 0.00012; ExAC 0.00004; TOPMed 0.00005.
gnomAD v4.1: 176 of 1,594,844 alleles (0.011%); highest among the groups gnomAD compares: Non-Finnish European, 0.014%; no homozygotes.

Submissions (4):

PreventionGenetics, part of Exact Sciences
Classification: Likely benign for DHCR7-related condition. Last evaluated: 2024-12-10. Review status: criteria provided, single submitter. Criteria: ACMG Guidelines, 2015. Collection method: clinical testing. Allele origin: germline.
Comment: This variant is classified as likely benign based on ACMG/AMP sequence variant interpretation guidelines (Richards et al. 2015 PMID: 25741868, with internal and published modifications).

Labcorp Genetics (formerly Invitae), Labcorp
Classification: Likely benign for Smith-Lemli-Opitz syndrome. Last evaluated: 2024-12-02. Review status: criteria provided, single submitter. Criteria: Invitae Variant Classification Sherloc (09022015). Collection method: clinical testing. Allele origin: germline.

Fulgent Genetics
Classification: Likely benign for Smith-Lemli-Opitz syndrome. Last evaluated: 2022-02-16. Review status: criteria provided, single submitter. Criteria: ACMG Guidelines, 2015. Collection method: clinical testing. Allele origin: unknown.

GeneDx
Classification: Likely benign. Last evaluated: 2021-01-22. Review status: criteria provided, single submitter. Criteria: GeneDx Variant Classification Process June 2021. Collection method: clinical testing. Allele origin: germline. Affected: yes.
Comment: See Variant Classification Assertion Criteria.

NM_001360.3(DHCR7):c.964-10C>T

Gene: DHCR7 (7-dehydrocholesterol reductase; minus strand). Cytogenetic location: 11q13.4.
Variant type: single nucleotide variant.
Coding change: c.964-10C>T on transcript NM_001360.3 (MANE Select); 10 bases into the intron before coding-DNA position 964, C replaced by T.
Molecular consequence: intron variant.
Genome position (GRCh38, 1-based): chr11:71,435,849, G>A on the plus strand (C>T on the coding strand, the complement: DHCR7 is on the minus strand). VCF-style: chr11-71435849-G-A. GRCh37 (hg19) VCF-style: chr11-71146895-G-A.
Other names: c.964-10C>T (NM_001163817.2, NM_001360.2).
Identifiers: ClinVar variation 1135355 (VCV001135355.11), dbSNP rs753345689, ClinGen allele CA6162352.